The following is an entry in ClinVar:

NM_005732.4(RAD50):c.3646G>A (p.Ala1216Thr)

Genes: TH2LCRR (T helper type 2 locus control region associated RNA; minus strand), TH2-LCR (Th2 cytokine locus control region; plus strand), RAD50 (RAD50 double strand break repair protein; plus strand). Cytogenetic location: 5q31.1.
Variant type: single nucleotide variant.
Coding change: c.3646G>A on transcript NM_005732.4 (MANE Select); coding-DNA position 3646, G replaced by A.
Protein change: p.Ala1216Thr; replaces alanine 1216 with threonine.
Molecular consequence: missense variant.
Genome position (GRCh38, 1-based): chr5:132,640,699, G>A. VCF-style: chr5-132640699-G-A. GRCh37 (hg19) VCF-style: chr5-131976391-G-A.
Other names: short protein forms A1216T.
Identifiers: ClinVar variation 2088435 (VCV002088435.4), dbSNP rs2149865582, ClinGen allele CA360933785.

ClinVar aggregate classification (germline): Uncertain significance (1 of 4 stars; one submission).

Conditions:
Hereditary cancer-predisposing syndrome. Also called: Tumor predisposition; Hereditary Cancer Syndrome; Hereditary neoplastic syndrome; Neoplastic Syndromes, Hereditary. Identifiers: Orphanet 140162, MedGen C0027672, MeSH D009386, MONDO:0015356.

Allele frequency attached by ClinVar (database versions not stated): gnomAD exomes below 0.00001.

Submission:

Labcorp Genetics (formerly Invitae), Labcorp
Classification: Uncertain significance for Hereditary cancer-predisposing syndrome. Last evaluated: 2022-01-20. Review status: criteria provided, single submitter. Criteria: Invitae Variant Classification Sherloc (09022015). Collection method: clinical testing. Allele origin: germline.
Comment: This variant is not present in population databases (gnomAD no frequency). This variant has not been reported in the literature in individuals affected with RAD50-related conditions. Algorithms developed to predict the effect of missense changes on protein structure and function are either unavailable or do not agree on the potential impact of this missense change (SIFT: "Deleterious"; PolyPhen-2: "Probably Damaging"; Align-GVGD: "Class C0"). In summary, the available evidence is currently insufficient to determine the role of this variant in disease. Therefore, it has been classified as a Variant of Uncertain Significance. This sequence change replaces alanine, which is neutral and non-polar, with threonine, which is neutral and polar, at codon 1216 of the RAD50 protein (p.Ala1216Thr).